The following is an entry in ClinVar:

NM_000435.3(NOTCH3):c.3149G>A (p.Arg1050Gln)

Gene: NOTCH3 (notch receptor 3; minus strand). Cytogenetic location: 19p13.12.
Variant type: single nucleotide variant.
Coding change: c.3149G>A on transcript NM_000435.3 (MANE Select); coding-DNA position 3149, G replaced by A.
Protein change: p.Arg1050Gln; replaces arginine 1050 with glutamine.
Molecular consequence: missense variant.
Genome position (GRCh38, 1-based): chr19:15,180,250, C>T on the plus strand (G>A on the coding strand, the complement: NOTCH3 is on the minus strand). VCF-style: chr19-15180250-C-T. GRCh37 (hg19) VCF-style: chr19-15291061-C-T.
Other names: short protein forms R1050Q.
Identifiers: ClinVar variation 4861133 (VCV004861133.1).

ClinVar aggregate classification (germline): Uncertain significance (1 of 4 stars; one submission).

Conditions:
Inborn genetic diseases. Identifiers: MedGen C0950123, MeSH D030342.

Submission:

Ambry Genetics
Classification: Uncertain significance for Inborn genetic diseases. Last evaluated: 2026-04-14. Review status: criteria provided, single submitter. Criteria: Ambry Variant Classification Scheme 2023. Collection method: clinical testing. Allele origin: germline.
Comment: The c.3149G>A (p.R1050Q) alteration is located in exon 20 (coding exon 20) of the NOTCH3 gene. This alteration results from a G to A substitution at nucleotide position 3149, causing the arginine (R) at amino acid position 1050 to be replaced by a glutamine (Q). Based on data from gnomAD, the A allele has an overall frequency of 0.007% (17/249846) total alleles studied. The highest observed frequency was 0.033% (10/30608) of South Asian alleles. Based on insufficient or conflicting evidence, the clinical significance of this alteration remains unclear.